The following is an entry in ClinVar:

ClinVar aggregate classification (germline): Uncertain significance (1 of 4 stars; one submission).

Conditions:
Progressive myoclonic epilepsy. Also called: Familial progressive myoclonic epilepsy; Myoclonic Epilepsies, Progressive; Myoclonus epilepsy; Progressive myoclonus epilepsy. Identifiers: Orphanet 308, Orphanet 98261, MedGen C0751778, MONDO:0020074.

Submission:

Labcorp Genetics (formerly Invitae), Labcorp
Classification: Uncertain significance for Progressive myoclonic epilepsy. Last evaluated: 2022-10-17. Review status: criteria provided, single submitter. Criteria: Invitae Variant Classification Sherloc (09022015). Collection method: clinical testing. Allele origin: germline.
Comment: In summary, the available evidence is currently insufficient to determine the role of this variant in disease. Therefore, it has been classified as a Variant of Uncertain Significance. Advanced modeling of protein sequence and biophysical properties (such as structural, functional, and spatial information, amino acid conservation, physicochemical variation, residue mobility, and thermodynamic stability) performed at Invitae indicates that this missense variant is expected to disrupt SCARB2 protein function. This variant has not been reported in the literature in individuals affected with SCARB2-related conditions. This variant is not present in population databases (gnomAD no frequency). This sequence change replaces cysteine, which is neutral and slightly polar, with tyrosine, which is neutral and polar, at codon 329 of the SCARB2 protein (p.Cys329Tyr).

NM_005506.4(SCARB2):c.986G>A (p.Cys329Tyr)

Gene: SCARB2 (scavenger receptor class B member 2; minus strand). Cytogenetic location: 4q21.1.
Variant type: single nucleotide variant.
Coding change: c.986G>A on transcript NM_005506.4 (MANE Select); coding-DNA position 986, G replaced by A.
Protein change: p.Cys329Tyr; replaces cysteine 329 with tyrosine.
Molecular consequence: missense variant.
Genome position (GRCh38, 1-based): chr4:76,174,152, C>T on the plus strand (G>A on the coding strand, the complement: SCARB2 is on the minus strand). VCF-style: chr4-76174152-C-T. GRCh37 (hg19) VCF-style: chr4-77095305-C-T.
Other names: c.557G>A, p.Cys186Tyr (NM_001204255.2); short protein forms C186Y, C329Y.
Identifiers: ClinVar variation 1995520 (VCV001995520.4), dbSNP rs2476238979, ClinGen allele CA357315475.